The following is an entry in ClinVar:

ClinVar aggregate classification (germline): Pathogenic (1 of 4 stars; one submission).

Conditions:
Ehlers-Danlos syndrome, classic type, 1 (EDSCL1). Also called: EHLERS-DANLOS SYNDROME, GRAVIS TYPE; EHLERS-DANLOS SYNDROME, SEVERE CLASSIC TYPE; EDS I; Ehlers-Danlos Syndrome, Classic Type, COL5A1-Related; Ehlers-Danlos syndrome, type 1. Identifiers: MedGen C0268335, MONDO:0019567, OMIM 130000.
Osteogenesis imperfecta type I (OI1). Also called: OI, TYPE I; OSTEOGENESIS IMPERFECTA TARDA; OSTEOGENESIS IMPERFECTA WITH BLUE SCLERAE; Classic Non-deforming Osteogenesis Imperfecta with Blue Sclerae; Lobstein disease; Osteogenesis imperfecta type 1. Identifiers: Orphanet 216796, Orphanet 666, MedGen C0023931, MONDO:0008146, OMIM 166200. Disease mechanism: loss of function.

Submission:

Labcorp Genetics (formerly Invitae), Labcorp
Classification: Pathogenic for Osteogenesis imperfecta type I; Ehlers-Danlos syndrome, classic type, 1. Last evaluated: 2016-10-11. Review status: criteria provided, single submitter. Criteria: Invitae Variant Classification Sherloc (09022015). Collection method: clinical testing. Allele origin: germline.
Comment: This sequence change replaces glycine with aspartic acid at codon 307 of the COL1A2 protein (p.Gly307Asp). The glycine residue is highly conserved and there is a moderate physicochemical difference between glycine and aspartic acid. This variant is not present in population databases (ExAC no frequency). For these reasons, this variant has been classified as Pathogenic. This variant has been reported in an individual affected with osteogenesis imperfecta type IV (PMID: 17078022).

Literature cited by the submitters: PubMed 17078022.

NM_000089.4(COL1A2):c.920G>A (p.Gly307Asp)

Gene: COL1A2 (collagen type I alpha 2 chain; plus strand). Cytogenetic location: 7q21.3.
Variant type: single nucleotide variant.
Coding change: c.920G>A on transcript NM_000089.4 (MANE Select); coding-DNA position 920, G replaced by A.
Protein change: p.Gly307Asp; replaces glycine 307 with aspartic acid.
Molecular consequence: missense variant.
Genome position (GRCh38, 1-based): chr7:94,409,592, G>A. VCF-style: chr7-94409592-G-A. GRCh37 (hg19) VCF-style: chr7-94038904-G-A.
Other names: short protein forms G307D.
Identifiers: ClinVar variation 456845 (VCV000456845.48), dbSNP rs72656390, ClinGen allele CA162920026.